The following is an entry in ClinVar:

NM_001122681.2(SH3BP2):c.*2202G>C

Gene: SH3BP2 (SH3 domain binding protein 2; plus strand). Cytogenetic location: 4p16.3.
Variant type: single nucleotide variant.
Coding change: c.*2202G>C on transcript NM_001122681.2 (MANE Select); 2202 bases downstream of the stop codon, G replaced by C.
Molecular consequence: 3 prime UTR variant.
Genome position (GRCh38, 1-based): chr4:2,836,036, G>C. VCF-style: chr4-2836036-G-C. GRCh37 (hg19) VCF-style: chr4-2837763-G-C.
Other names: c.*2202G>C (LRG_1334t1, LRG_1334t2, NM_001145855.2 and 2 more transcripts).
Identifiers: ClinVar variation 348629 (VCV000348629.6), dbSNP rs1263416, ClinGen allele CA10617689.

ClinVar aggregate classification (germline): Benign. Review status: criteria provided, multiple submitters, no conflicts (2 of 4 stars). 2 submissions from 2 submitters: Benign (2). Last evaluated 2018-01-13.

Conditions:
Fibrous dysplasia of jaw (CRBM). Also called: Cherubism. Identifiers: Orphanet 184, MedGen C0008029, MONDO:0007315, OMIM 118400.

Allele frequency attached by ClinVar (database versions not stated): 1000 Genomes Project 0.56010; 1000 Genomes Project 30x 0.56277; gnomAD 0.57329 and 0.57529; TOPMed 0.57739; gnomAD exomes 0.68750.
gnomAD v4.1: 87,659 of 152,016 alleles (58%); highest among the groups gnomAD compares: Middle Eastern, 71%; 25,452 homozygotes.

Submissions (2):

Illumina Laboratory Services, Illumina
Classification: Benign for Fibrous dysplasia of jaw. Last evaluated: 2018-01-13. Review status: criteria provided, single submitter. Criteria: ICSL Variant Classification Criteria 13 December 2019. Collection method: clinical testing. Allele origin: germline.
Comment: This variant was observed in the ICSL laboratory as part of a predisposition screen in an ostensibly healthy population. It had not been previously curated by ICSL or reported in the Human Gene Mutation Database (HGMD: prior to June 1st, 2018), and was therefore a candidate for classification through an automated scoring system. Utilizing variant allele frequency, disease prevalence and penetrance estimates, and inheritance mode, an automated score was calculated to assess if this variant is too frequent to cause the disease. Based on the score and internal cut-off values, a variant classified as benign is not then subjected to further curation. The score for this variant resulted in a classification of benign for this disease.

Breakthrough Genomics
Classification: Benign. Review status: criteria provided, single submitter. Criteria: ACMG Guidelines, 2015. Collection method: not provided. Allele origin: germline. Inheritance: Autosomal dominant inheritance. Affected: yes.